The following is an entry in ClinVar:

NM_001365536.1(SCN9A):c.1603T>G (p.Ser535Ala)

Genes: SCN9A (sodium voltage-gated channel alpha subunit 9; minus strand), SCN1A-AS1 (SCN1A and SCN9A antisense RNA 1; plus strand). Cytogenetic location: 2q24.3.
Variant type: single nucleotide variant.
Coding change: c.1603T>G on transcript NM_001365536.1 (MANE Select); coding-DNA position 1603, T replaced by G.
Protein change: p.Ser535Ala; replaces serine 535 with alanine.
Molecular consequence: missense variant.
Genome position (GRCh38, 1-based): chr2:166,284,824, A>C on the plus strand (T>G on the coding strand, the complement: SCN9A is on the minus strand). VCF-style: chr2-166284824-A-C. GRCh37 (hg19) VCF-style: chr2-167141334-A-C.
Other names: c.1603T>G, p.Ser535Ala (NM_002977.4); short protein forms S535A.
Identifiers: ClinVar variation 471087 (VCV000471087.9), dbSNP rs774903062, ClinGen allele CA1944469.

ClinVar aggregate classification (germline): Uncertain significance. Review status: criteria provided, multiple submitters, no conflicts (2 of 4 stars). 2 submissions from 2 submitters: Uncertain significance (2). Last evaluated 2025-08-18.

Conditions:
Neuropathy, hereditary sensory and autonomic, type 2A (HSAN2A). Also called: ACROOSTEOLYSIS, NEUROGENIC; ACROOSTEOLYSIS, GIACCAI TYPE; MORVAN DISEASE; NEUROPATHY, CONGENITAL SENSORY; NEUROPATHY, HEREDITARY SENSORY RADICULAR, AUTOSOMAL RECESSIVE; NEUROPATHY, HEREDITARY SENSORY, TYPE IIA. Identifiers: Orphanet 970, MedGen C2752089, MONDO:0024309, OMIM 201300.
Generalized epilepsy with febrile seizures plus, type 7 (GEFSP7). Also called: GEFS+, TYPE 7. Identifiers: Orphanet 36387, MedGen C2751778, MONDO:0013470, OMIM 613863.

Allele frequency attached by ClinVar (database versions not stated): ExAC 0.00001; gnomAD exomes 0.00001 and 0.00002; TOPMed 0.00001.
gnomAD v4.1: 6 of 1,594,302 alleles (0.00038%); highest among the groups gnomAD compares: Admixed American, 0.011%; no homozygotes.

Submissions (2):

Labcorp Genetics (formerly Invitae), Labcorp
Classification: Uncertain significance for Neuropathy, hereditary sensory and autonomic, type 2A; Generalized epilepsy with febrile seizures plus, type 7. Last evaluated: 2025-08-18. Review status: criteria provided, single submitter. Criteria: Invitae Variant Classification Sherloc (09022015). Collection method: clinical testing. Allele origin: germline.
Comment: This sequence change replaces serine, which is neutral and polar, with alanine, which is neutral and non-polar, at codon 535 of the SCN9A protein (p.Ser535Ala). This variant is present in population databases (rs774903062, gnomAD 0.01%). This variant has not been reported in the literature in individuals affected with SCN9A-related conditions. ClinVar contains an entry for this variant (Variation ID: 471087). An algorithm developed to predict the effect of missense changes on protein structure and function (PolyPhen-2) suggests that this variant is likely to be disruptive. In summary, the available evidence is currently insufficient to determine the role of this variant in disease. Therefore, it has been classified as a Variant of Uncertain Significance.

GeneDx
Classification: Uncertain significance. Last evaluated: 2019-11-18. Review status: criteria provided, single submitter. Criteria: GeneDx Variant Classification Process June 2021. Collection method: clinical testing. Allele origin: germline. Affected: yes.
Comment: In silico analysis, which includes protein predictors and evolutionary conservation, supports a deleterious effect; Has not been previously published as pathogenic or benign to our knowledge